The following is an entry in ClinVar:

NM_001355436.2(SPTB):c.1577_1578insT (p.Thr527fs)

Gene: SPTB (spectrin beta, erythrocytic; minus strand). Cytogenetic location: 14q23.3.
Variant type: Insertion.
Coding change: c.1577_1578insT on transcript NM_001355436.2 (MANE Select); coding-DNA positions 1577 to 1578, T inserted.
Protein change: p.Thr527fs; shifts the reading frame from threonine 527.
Molecular consequence: frameshift variant.
Genome position: GRCh38 VCF-style: chr14-64795403-G-GA. GRCh37 (hg19) VCF-style: chr14-65262121-G-GA.
Other names: c.1577_1578insT, p.Thr527fs (NM_001024858.4, NM_001355437.2); short protein forms T527fs.
Identifiers: ClinVar variation 3640054 (VCV003640054.2).
Genomic context (GRCh38, chr14:64,795,403, plus strand): 5'-CTCATCCATCCAGTCGATGCTGTGCAGCATGTCCTGGAAGAGCTTCTGCAGTGCCAGGGT[G>GA]GTCTCGAGCCTCTGGCGCCGGGACTGCAGCAGCTCCTGCAGGTAGCTCCATAGGCGCAGT-3'

ClinVar aggregate classification (germline): Pathogenic (1 of 4 stars; one submission).

Submission:

Labcorp Genetics (formerly Invitae), Labcorp
Classification: Pathogenic. Last evaluated: 2024-10-09. Review status: criteria provided, single submitter. Criteria: Invitae Variant Classification Sherloc (09022015). Collection method: clinical testing. Allele origin: germline.
Comment: This sequence change creates a premature translational stop signal (p.Thr527Hisfs*20) in the SPTB gene. It is expected to result in an absent or disrupted protein product. Loss-of-function variants in SPTB are known to be pathogenic (PMID: 1391962, 1498324, 8844207, 26830532, 27292444). This variant is not present in population databases (gnomAD no frequency). This variant has not been reported in the literature in individuals affected with SPTB-related conditions. For these reasons, this variant has been classified as Pathogenic.

Literature cited by the submitters: PubMed 1391962; PubMed 1498324; PubMed 8844207; PubMed 26830532; PubMed 27292444.